The following is an entry in ClinVar:

NM_000152.5(GAA):c.2182T>C (p.Phe728Leu)

Gene: GAA (alpha glucosidase; plus strand). Cytogenetic location: 17q25.3.
Variant type: single nucleotide variant.
Coding change: c.2182T>C on transcript NM_000152.5 (MANE Select); coding-DNA position 2182, T replaced by C.
Protein change: p.Phe728Leu; replaces phenylalanine 728 with leucine.
Molecular consequence: missense variant.
Genome position (GRCh38, 1-based): chr17:80,113,359, T>C. VCF-style: chr17-80113359-T-C. GRCh37 (hg19) VCF-style: chr17-78087158-T-C.
Other names: c.2182T>C (LRG_673t1); c.2182T>C, p.Phe728Leu (NM_001079803.3, NM_001079804.3); short protein forms F728L.
Identifiers: ClinVar variation 580157 (VCV000580157.8), dbSNP rs1232306443, ClinGen allele CA401370649.

ClinVar aggregate classification (germline): Uncertain significance. Review status: criteria provided, single submitter (1 of 4 stars). 2 submissions from 2 submitters: Uncertain significance (1). 1 of the submissions does not count toward it. Last evaluated 2025-09-12.

Conditions:
Glycogen storage disease, type II (IOPD). Also called: CARDIOMEGALIA GLYCOGENICA DIFFUSA; GLYCOGENOSIS, GENERALIZED, CARDIAC FORM; GSD II; Pompe Disease; Glycogen storage disease type 2; Acid maltase deficiency disease. Identifiers: Orphanet 365, MedGen C0017921, MONDO:0009290, OMIM 232300.

Allele frequency attached by ClinVar (database versions not stated): gnomAD 0.00001.
gnomAD v4.1: 3 of 1,578,250 alleles (0.00019%); highest among the groups gnomAD compares: Non-Finnish European, 0.00026%; no homozygotes.

Submissions (2):

Labcorp Genetics (formerly Invitae), Labcorp
Classification: Uncertain significance for Glycogen storage disease, type II. Last evaluated: 2025-09-12. Review status: criteria provided, single submitter. Criteria: Invitae Variant Classification Sherloc (09022015). Collection method: clinical testing. Allele origin: germline.
Comment: This sequence change replaces phenylalanine, which is neutral and non-polar, with leucine, which is neutral and non-polar, at codon 728 of the GAA protein (p.Phe728Leu). The frequency data for this variant in the population databases is considered unreliable, as metrics indicate poor data quality at this position in the gnomAD database. This variant has not been reported in the literature in individuals affected with GAA-related conditions. ClinVar contains an entry for this variant (Variation ID: 580157). Invitae Evidence Modeling of protein sequence and biophysical properties (such as structural, functional, and spatial information, amino acid conservation, physicochemical variation, residue mobility, and thermodynamic stability) has been performed for this missense variant. However, the output from this modeling did not meet the statistical confidence thresholds required to predict the impact of this variant on GAA protein function. In summary, the available evidence is currently insufficient to determine the role of this variant in disease. Therefore, it has been classified as a Variant of Uncertain Significance.

Natera, Inc.
Classification: Uncertain significance for Glycogen storage disease type II. Last evaluated: 2020-12-17. Review status: no assertion criteria provided. Collection method: clinical testing. Allele origin: germline. Not counted in ClinVar's aggregate classification.